The following is an entry in ClinVar:

ClinVar aggregate classification (germline): Uncertain significance. Review status: criteria provided, multiple submitters, no conflicts (2 of 4 stars). 4 submissions from 4 submitters: Uncertain significance (4). Last evaluated 2026-06-11.

Conditions:
AP5Z1-related disorder. Also called: AP5Z1-related condition.
Hereditary spastic paraplegia 48. Also called: Spastic paraplegia 48; SPASTIC PARAPLEGIA 48, AUTOSOMAL RECESSIVE. Identifiers: Orphanet 306511, MedGen C3150901, MONDO:0013342, OMIM 613647.
Inborn genetic diseases. Identifiers: MedGen C0950123, MeSH D030342.

Allele frequency attached by ClinVar (database versions not stated): ExAC 0.00005; TOPMed 0.00010.
gnomAD v4.1: 60 of 1,600,998 alleles (0.0037%); highest among the groups gnomAD compares: Admixed American, 0.029%; no homozygotes.

Submissions (4):

Women's Health and Genetics/Laboratory Corporation of America, LabCorp
Classification: Uncertain significance. Last evaluated: 2026-06-11. Review status: criteria provided, single submitter. Criteria: LabCorp Variant Classification Summary - May 2015. Collection method: clinical testing. Allele origin: germline.
Comment: Variant summary: AP5Z1 c.740G>A (p.Arg247Gln) results in a conservative amino acid change in the encoded protein sequence. Algorithms developed to predict the effect of missense changes on protein structure and function are either unavailable or do not agree on the potential impact of this missense change. The variant allele was found at a frequency of 3.1e-05 in 222384 control chromosomes. The available data on variant occurrences in the general population are insufficient to allow any conclusion about variant significance. To our knowledge, no occurrence of c.740G>A in individuals affected with AP5Z1-related conditions and no experimental evidence demonstrating its impact on protein function have been reported. ClinVar contains an entry for this variant (Variation ID: 487226). Based on the evidence outlined above, the variant was classified as uncertain significance.

PreventionGenetics, part of Exact Sciences
Classification: Uncertain significance for AP5Z1-related condition. Last evaluated: 2025-11-13. Review status: criteria provided, single submitter. Criteria: ACMG Guidelines, 2015. Collection method: clinical testing. Allele origin: germline.
Comment: The AP5Z1 c.740G>A variant is predicted to result in the amino acid substitution p.Arg247Gln. To our knowledge, this variant has not been reported in the literature. This variant is reported in 0.0080% of alleles in individuals of African descent in gnomAD. At this time, the clinical significance of this variant is uncertain due to the absence of conclusive functional and genetic evidence.

Labcorp Genetics (formerly Invitae), Labcorp
Classification: Uncertain significance for Hereditary spastic paraplegia 48. Last evaluated: 2025-05-13. Review status: criteria provided, single submitter. Criteria: Invitae Variant Classification Sherloc (09022015). Collection method: clinical testing. Allele origin: germline.
Comment: This sequence change replaces arginine, which is basic and polar, with glutamine, which is neutral and polar, at codon 247 of the AP5Z1 protein (p.Arg247Gln). This variant is present in population databases (rs774068163, gnomAD 0.008%). This variant has not been reported in the literature in individuals affected with AP5Z1-related conditions. ClinVar contains an entry for this variant (Variation ID: 487226). An algorithm developed to predict the effect of missense changes on protein structure and function outputs the following: PolyPhen-2: "Possibly Damaging". The glutamine amino acid residue is found in multiple mammalian species, which suggests that this missense change does not adversely affect protein function. In summary, the available evidence is currently insufficient to determine the role of this variant in disease. Therefore, it has been classified as a Variant of Uncertain Significance.

Ambry Genetics
Classification: Uncertain significance for Inborn genetic diseases. Last evaluated: 2024-10-28. Review status: criteria provided, single submitter. Criteria: Ambry Variant Classification Scheme 2023. Collection method: clinical testing. Allele origin: germline.

NM_014855.3(AP5Z1):c.740G>A (p.Arg247Gln)

Gene: AP5Z1 (adaptor related protein complex 5 subunit zeta 1; plus strand). Cytogenetic location: 7p22.1.
Variant type: single nucleotide variant.
Coding change: c.740G>A on transcript NM_014855.3 (MANE Select); coding-DNA position 740, G replaced by A.
Protein change: p.Arg247Gln; replaces arginine 247 with glutamine.
Molecular consequence: missense variant. On other transcripts: non-coding transcript variant (1).
Genome position (GRCh38, 1-based): chr7:4,784,321, G>A. VCF-style: chr7-4784321-G-A. GRCh37 (hg19) VCF-style: chr7-4823952-G-A.
Other names: c.272G>A, p.Arg91Gln (NM_001364858.1); c.740G>A, p.Arg247Gln (LRG_1247t1); short protein forms R247Q, R91Q.
Identifiers: ClinVar variation 487226 (VCV000487226.12), dbSNP rs774068163, ClinGen allele CA4137340.